The following is an entry in ClinVar:

ClinVar aggregate classification (germline): Uncertain significance (1 of 4 stars; one submission).

Conditions:
Hereditary cancer-predisposing syndrome. Also called: Tumor predisposition; Hereditary Cancer Syndrome; Hereditary neoplastic syndrome; Neoplastic Syndromes, Hereditary. Identifiers: Orphanet 140162, MedGen C0027672, MeSH D009386, MONDO:0015356.

Submission:

Ambry Genetics
Classification: Uncertain significance for Hereditary cancer-predisposing syndrome. Last evaluated: 2025-11-17. Review status: criteria provided, single submitter. Criteria: Ambry Variant Classification Scheme 2023. Collection method: clinical testing. Allele origin: germline.
Comment: The p.K954E variant (also known as c.2860A>G), located in coding exon 25 of the TSC2 gene, results from an A to G substitution at nucleotide position 2860. The lysine at codon 954 is replaced by glutamic acid, an amino acid with similar properties. This amino acid position is conserved. In addition, this alteration is predicted to be deleterious by in silico analysis. Based on the available evidence, the clinical significance of this variant remains unclear.

NM_000548.5(TSC2):c.2860A>G (p.Lys954Glu)

Gene: TSC2 (TSC complex subunit 2; plus strand). Cytogenetic location: 16p13.3.
Variant type: single nucleotide variant.
Coding change: c.2860A>G on transcript NM_000548.5 (MANE Select); coding-DNA position 2860, A replaced by G.
Protein change: p.Lys954Glu; replaces lysine 954 with glutamic acid.
Molecular consequence: missense variant. On other transcripts: intron variant (31).
Genome position (GRCh38, 1-based): chr16:2,077,620, A>G. VCF-style: chr16-2077620-A-G. GRCh37 (hg19) VCF-style: chr16-2127621-A-G.
Other names: c.2860A>G, p.Lys954Glu (NM_001114382.3, NM_001406663.1, NM_001406664.1); c.2749A>G, p.Lys917Glu (NM_001406670.1); c.2713A>G, p.Lys905Glu (NM_001406675.1, NM_001406676.1); c.2260A>G, p.Lys754Glu (NM_001406680.1, NM_001406682.1, NM_001406683.1 and 1 more transcripts); c.1516A>G, p.Lys506Glu (NM_001406689.1); c.1493+1035A>G (NM_001406693.1, NM_001406690.1, NM_001406692.1 and 5 more transcripts); c.2927+1035A>G (NM_001406667.1, NM_001406668.1); c.2237+1035A>G (NM_001406687.1, NM_001406685.1, NM_001318831.2 and 2 more transcripts); and 8 more; short protein forms K506E, K905E, K917E, K754E, K954E.
Identifiers: ClinVar variation 4557352 (VCV004557352.1).